The following is an entry in ClinVar:

ClinVar aggregate classification (germline): Uncertain significance (1 of 4 stars; one submission).

Conditions:
Dyskeratosis congenita, autosomal dominant 1 (DKCA1). Also called: Dyskeratosis congenita Scoggins type. Identifiers: Orphanet 1775, MedGen C4551974, MONDO:0007485, OMIM 127550. Inheritance: Variable.

gnomAD v4.1: 1 of 764,998 alleles (0.00013%); highest among the groups gnomAD compares: South Asian, 0.0013%; no homozygotes.

Submission:

Labcorp Genetics (formerly Invitae), Labcorp
Classification: Uncertain significance for Dyskeratosis congenita, autosomal dominant 1. Last evaluated: 2024-06-12. Review status: criteria provided, single submitter. Criteria: Invitae Variant Classification Sherloc (09022015). Collection method: clinical testing. Allele origin: germline.
Comment: This variant occurs in the TERC gene, which encodes an RNA molecule that does not result in a protein product. This variant is not present in population databases (gnomAD no frequency). This variant has not been reported in the literature in individuals affected with TERC-related conditions. This variant is located within the template/pseudoknot domain of the TERC RNA component, which is required for RNA or RNP stability (PMID: 15082312, 21844345). This variant is located in a region of TERC in which a significant number of disease causing variants have been reported (PMID: 15082312, 21844345, 21931702). These observations suggest that this may be a clinically significant region. In summary, the available evidence is currently insufficient to determine the role of this variant in disease. Therefore, it has been classified as a Variant of Uncertain Significance.

Literature cited by the submitters: PubMed 15082312; PubMed 21844345; PubMed 21931702.

NR_001566.3(TERC):n.160C>A

Genes: TERC (telomerase RNA component; minus strand), LOC110806306 (telomerase RNA component (TERC) promoter; plus strand). Cytogenetic location: 3q26.2.
Variant type: single nucleotide variant.
Molecular consequence: non-coding transcript variant (on NR_001566.3).
Genome position: GRCh38 VCF-style: chr3-169764901-G-T. GRCh37 (hg19) VCF-style: chr3-169482689-G-T.
Identifiers: ClinVar variation 3683630 (VCV003683630.2).
Genomic context (GRCh38, chr3:169,764,901, plus strand): 5'-CCGCCGCAGGTCCCCGGGAGGGGCGAACGGGCCAGCAGCTGACATTTTTTGTTTGCTCTA[G>T]AATGAACGGTGGAAGGCGGCAGGCCGAGGCTTTTCCGCCCGCTGAAAGTCAGCGAGAAAA-3'